The following is an entry in ClinVar:

NM_001184.4(ATR):c.7376G>A (p.Arg2459His)

Gene: ATR (ATR checkpoint kinase; minus strand). Cytogenetic location: 3q23.
Variant type: single nucleotide variant.
Coding change: c.7376G>A on transcript NM_001184.4 (MANE Select); coding-DNA position 7376, G replaced by A.
Protein change: p.Arg2459His; replaces arginine 2459 with histidine.
Molecular consequence: missense variant.
Genome position (GRCh38, 1-based): chr3:142,459,085, C>T on the plus strand (G>A on the coding strand, the complement: ATR is on the minus strand). VCF-style: chr3-142459085-C-T. GRCh37 (hg19) VCF-style: chr3-142177927-C-T.
Other names: c.7184G>A, p.Arg2395His (NM_001354579.2); short protein forms R2459H, R2395H.
Identifiers: ClinVar variation 1965006 (VCV001965006.5), dbSNP rs754253403, ClinGen allele CA2649141.

ClinVar aggregate classification (germline): Uncertain significance (1 of 4 stars; one submission).

Allele frequency attached by ClinVar (database versions not stated): ExAC 0.00001; gnomAD 0.00001; gnomAD exomes 0.00001; TOPMed 0.00001.
gnomAD v4.1: 8 of 1,613,846 alleles (0.0005%); highest among the groups gnomAD compares: Middle Eastern, 0.016%; no homozygotes.

Submission:

Labcorp Genetics (formerly Invitae), Labcorp
Classification: Uncertain significance. Last evaluated: 2022-11-08. Review status: criteria provided, single submitter. Criteria: Invitae Variant Classification Sherloc (09022015). Collection method: clinical testing. Allele origin: germline.
Comment: In summary, the available evidence is currently insufficient to determine the role of this variant in disease. Therefore, it has been classified as a Variant of Uncertain Significance. Algorithms developed to predict the effect of missense changes on protein structure and function are either unavailable or do not agree on the potential impact of this missense change (SIFT: "Deleterious"; PolyPhen-2: "Probably Damaging"; Align-GVGD: "Class C0"). This variant has not been reported in the literature in individuals affected with ATR-related conditions. This variant is present in population databases (rs754253403, gnomAD 0.006%). This sequence change replaces arginine, which is basic and polar, with histidine, which is basic and polar, at codon 2459 of the ATR protein (p.Arg2459His).